The following is an entry in ClinVar:

ClinVar aggregate classification (germline): Uncertain significance. Review status: criteria provided, multiple submitters, no conflicts (2 of 4 stars). 2 submissions from 2 submitters: Uncertain significance (2). Last evaluated 2023-05-04.

Conditions:
Aortic aneurysm, familial thoracic 4 (AAT4). Also called: AORTIC ANEURYSM/AORTIC DISSECTION AND PATENT DUCTUS ARTERIOSUS. Identifiers: MedGen C1851504, MONDO:0007568, OMIM 132900.
Familial thoracic aortic aneurysm and aortic dissection (TAAD). Also called: Thoracic aortic aneurysms and dissections. Identifiers: Orphanet 91387, MedGen C4707243, MONDO:0019625.

Allele frequency attached by ClinVar (database versions not stated): gnomAD exomes below 0.00001.
gnomAD v4.1: 1 of 1,607,942 alleles (0.000062%); highest among the groups gnomAD compares: Non-Finnish European, 0.000085%; no homozygotes.

Submissions (2):

All of Us Research Program, National Institutes of Health
Classification: Uncertain significance for Familial thoracic aortic aneurysm and aortic dissection. Last evaluated: 2023-05-04. Review status: criteria provided, single submitter. Criteria: ACMG Guidelines, 2015. Collection method: clinical testing. Allele origin: germline. Inheritance: Autosomal dominant inheritance. Observed: 1 variant allele, 1 heterozygote.
Comment: This missense variant replaces glutamine with leucine at codon 958 of the MYH11 protein. Computational prediction is inconclusive regarding the impact of this variant on protein structure and function (internally defined REVEL score threshold 0.5 < inconclusive < 0.7, PMID: 27666373). To our knowledge, functional studies have not been reported for this variant. This variant has not been reported in individuals affected with MYH11-related disorders in the literature. This variant has not been identified in the general population by the Genome Aggregation Database (gnomAD). The available evidence is insufficient to determine the role of this variant in disease conclusively. Therefore, this variant is classified as a Variant of Uncertain Significance.

This study involves interpretation of variants in research participants for the purpose of population health screening. Participant phenotype was not available at the time of variant classification. Additional details can be found in publication PMID: 35346344, PMCID: PMC8962531

Labcorp Genetics (formerly Invitae), Labcorp
Classification: Uncertain significance for Aortic aneurysm, familial thoracic 4. Last evaluated: 2020-01-29. Review status: criteria provided, single submitter. Criteria: Invitae Variant Classification Sherloc (09022015). Collection method: clinical testing. Allele origin: germline.
Comment: In summary, the available evidence is currently insufficient to determine the role of this variant in disease. Therefore, it has been classified as a Variant of Uncertain Significance. Algorithms developed to predict the effect of missense changes on protein structure and function are either unavailable or do not agree on the potential impact of this missense change (SIFT: "Deleterious"; PolyPhen-2: "Benign"; Align-GVGD: "Class C25"). This variant has not been reported in the literature in individuals with MYH11-related conditions. This variant is not present in population databases (ExAC no frequency). This sequence change replaces glutamine with leucine at codon 958 of the MYH11 protein (p.Gln958Leu). The glutamine residue is highly conserved and there is a moderate physicochemical difference between glutamine and leucine.

NM_002474.3(MYH11):c.2852A>T (p.Gln951Leu)

Gene: MYH11 (myosin heavy chain 11; minus strand). Cytogenetic location: 16p13.11.
Variant type: single nucleotide variant.
Coding change: c.2852A>T on transcript NM_002474.3 (MANE Select); coding-DNA position 2852, A replaced by T.
Protein change: p.Gln951Leu; replaces glutamine 951 with leucine.
Molecular consequence: missense variant.
Genome position (GRCh38, 1-based): chr16:15,741,470, T>A on the plus strand (A>T on the coding strand, the complement: MYH11 is on the minus strand). VCF-style: chr16-15741470-T-A. GRCh37 (hg19) VCF-style: chr16-15835327-T-A.
Other names: c.2873A>T, p.Gln958Leu (NM_001040113.2, NM_001040114.2); c.2852A>T, p.Gln951Leu (NM_022844.3); short protein forms Q951L, Q958L.
Identifiers: ClinVar variation 1047701 (VCV001047701.10), dbSNP rs2041269387, ClinGen allele CA394864908.